The following is an entry in ClinVar:

ClinVar aggregate classification (germline): Uncertain significance. Review status: criteria provided, multiple submitters, no conflicts (2 of 4 stars). 3 submissions from 2 submitters: Uncertain significance (3). Last evaluated 2022-06-20.

Conditions:
Lethal Kniest-like syndrome (DDSH). Also called: Dyssegmental Dysplasia. Identifiers: Orphanet 1865, MedGen C1857100, MONDO:0009140, OMIM 224410.
Schwartz-Jampel syndrome. Also called: Myotonic myopathy dwarfism chondrodystrophy and ocular and facial abnormalities. Identifiers: Orphanet 800, MedGen C0036391, MONDO:0009717.

Allele frequency attached by ClinVar (database versions not stated): gnomAD below 0.00001 and 0.00001; gnomAD exomes 0.00002 and 0.00003; TOPMed 0.00002; ExAC 0.00005; ESP Exome Variant Server 0.00008.
gnomAD v4.1: 30 of 1,610,722 alleles (0.0019%); highest among the groups gnomAD compares: South Asian, 0.021%; 1 homozygote.

Submissions (3):

Labcorp Genetics (formerly Invitae), Labcorp
Classification: Uncertain significance. Last evaluated: 2022-06-20. Review status: criteria provided, single submitter. Criteria: Invitae Variant Classification Sherloc (09022015). Collection method: clinical testing. Allele origin: germline.
Comment: This sequence change replaces arginine, which is basic and polar, with histidine, which is basic and polar, at codon 534 of the HSPG2 protein (p.Arg534His). This variant is present in population databases (rs138259006, gnomAD 0.01%). This variant has not been reported in the literature in individuals affected with HSPG2-related conditions. ClinVar contains an entry for this variant (Variation ID: 295890). Algorithms developed to predict the effect of missense changes on protein structure and function output the following: SIFT: "Tolerated"; PolyPhen-2: "Benign"; Align-GVGD: "Class C0". The histidine amino acid residue is found in multiple mammalian species, which suggests that this missense change does not adversely affect protein function. In summary, the available evidence is currently insufficient to determine the role of this variant in disease. Therefore, it has been classified as a Variant of Uncertain Significance.

Illumina Laboratory Services, Illumina
Classification: Uncertain significance for Schwartz-Jampel syndrome type 1. Last evaluated: 2018-01-13. Review status: criteria provided, single submitter. Criteria: ICSL Variant Classification Criteria 13 December 2019. Collection method: clinical testing. Allele origin: germline.

Illumina Laboratory Services, Illumina
Classification: Uncertain significance for Lethal Kniest-like syndrome. Last evaluated: 2018-01-13. Review status: criteria provided, single submitter. Criteria: ICSL Variant Classification Criteria 13 December 2019. Collection method: clinical testing. Allele origin: germline.

NM_005529.7(HSPG2):c.1601G>A (p.Arg534His)

Gene: HSPG2 (heparan sulfate proteoglycan 2; minus strand). Cytogenetic location: 1p36.12.
Variant type: single nucleotide variant.
Coding change: c.1601G>A on transcript NM_005529.7 (MANE Select); coding-DNA position 1601, G replaced by A.
Protein change: p.Arg534His; replaces arginine 534 with histidine.
Molecular consequence: missense variant.
Genome position (GRCh38, 1-based): chr1:21,884,581, C>T on the plus strand (G>A on the coding strand, the complement: HSPG2 is on the minus strand). VCF-style: chr1-21884581-C-T. GRCh37 (hg19) VCF-style: chr1-22211074-C-T.
Other names: c.1604G>A, p.Arg535His (NM_001291860.2); short protein forms R534H, R535H.
Identifiers: ClinVar variation 295890 (VCV000295890.9), dbSNP rs138259006, ClinGen allele CA673375.